The following is an entry in ClinVar:

ClinVar aggregate classification (germline): Conflicting classifications of pathogenicity. Review status: criteria provided, conflicting classifications (1 of 4 stars). 9 submissions from 9 submitters: Uncertain significance (4); Benign (1); Likely benign (2). 2 of the submissions do not count toward it. Last evaluated 2025-12-19.

Conditions:
PALB2-related disorder. Also called: PALB2-related condition; PALB2-related disorders.
Hereditary cancer-predisposing syndrome. Also called: Neoplastic Syndromes, Hereditary; Tumor predisposition; Hereditary neoplastic syndrome; Hereditary Cancer Syndrome. Identifiers: Orphanet 140162, MedGen C0027672, MeSH D009386, MONDO:0015356.
Familial cancer of breast. Also called: Hereditary breast cancer; BREAST CANCER, FAMILIAL; hereditary breast carcinoma. Identifiers: Orphanet 227535, MedGen C0346153, MONDO:0016419, OMIM 114480. Disease mechanism: loss of function.
Malignant tumor of breast. Also called: Malignant breast neoplasm; Cancer breast. Identifiers: MedGen C0006142, MONDO:0007254. Disease mechanism: loss of function.

Allele frequency attached by ClinVar (database versions not stated): gnomAD exomes below 0.00001 and 0.00002; TOPMed 0.00001; gnomAD 0.00003.
gnomAD v4.1: 30 of 1,613,528 alleles (0.0019%); highest among the groups gnomAD compares: Non-Finnish European, 0.0024%; no homozygotes.

Submissions (9):

Labcorp Genetics (formerly Invitae), Labcorp
Classification: Uncertain significance for Familial cancer of breast. Last evaluated: 2025-12-19. Review status: criteria provided, single submitter. Criteria: Invitae Variant Classification Sherloc (09022015). Collection method: clinical testing. Allele origin: germline.
Comment: This sequence change replaces threonine, which is neutral and polar, with isoleucine, which is neutral and non-polar, at codon 317 of the PALB2 protein (p.Thr317Ile). This variant is present in population databases (rs45548638, gnomAD 0.002%). This missense change has been observed in individual(s) with breast cancer (PMID: 17200668, 26976419). ClinVar contains an entry for this variant (Variation ID: 185396). Invitae Evidence Modeling of protein sequence and biophysical properties (such as structural, functional, and spatial information, amino acid conservation, physicochemical variation, residue mobility, and thermodynamic stability) indicates that this missense variant is not expected to disrupt PALB2 protein function with a negative predictive value of 80%. In summary, the available evidence is currently insufficient to determine the role of this variant in disease. Therefore, it has been classified as a Variant of Uncertain Significance.

PreventionGenetics, part of Exact Sciences
Classification: Uncertain significance for PALB2-related condition. Last evaluated: 2025-07-28. Review status: criteria provided, single submitter. Criteria: ACMG Guidelines, 2015. Collection method: clinical testing. Allele origin: germline.
Comment: The PALB2 c.950C>T variant is predicted to result in the amino acid substitution p.Thr317Ile. This variant has been reported in individuals with breast cancer (Tung et al. 2016. PubMed ID: 26976419; Rahman et al. 2006. PubMed ID: 17200668). This variant is reported in 0.0016% of alleles in individuals of European (Non-Finnish) descent in gnomAD and has conflicting interpretations in ClinVar, ranging from uncertain to benign (Variation ID: 185396). At this time, the clinical significance of this variant is uncertain due to the absence of conclusive functional and genetic evidence.

Ambry Genetics
Classification: Likely benign for Hereditary cancer-predisposing syndrome. Last evaluated: 2025-07-10. Review status: criteria provided, single submitter. Criteria: Ambry Variant Classification Scheme 2023. Collection method: clinical testing. Allele origin: germline.

Quest Diagnostics Nichols Institute San Juan Capistrano
Classification: Uncertain significance. Last evaluated: 2025-06-05. Review status: criteria provided, single submitter. Criteria: Quest Diagnostics criteria. Collection method: clinical testing. Allele origin: unknown.
Comment: The PALB2 c.950C>T (p.Thr317Ile) variant has been reported in the published literature in individuals with breast cancer (PMID: 33471991 (2021), 32885271 (2021), 26976419 (2016), 17200668 (2007), see also LOVD)). The frequency of this variant in the general population (Genome Aggregation Database) is uninformative in the assessment of its pathogenicity. Analysis of this variant using bioinformatics tools for the prediction of the effect of amino acid changes on protein structure and function yielded predictions that this variant is benign. Based on the available information, we are unable to determine the clinical significance of this variant.

Color Diagnostics, LLC DBA Color Health
Classification: Likely benign for Hereditary cancer-predisposing syndrome. Last evaluated: 2024-01-31. Review status: criteria provided, single submitter. Criteria: ACMG Guidelines, 2015. Collection method: clinical testing. Allele origin: germline.

Myriad Genetics, Inc.
Classification: Benign for Familial cancer of breast. Last evaluated: 2023-03-30. Review status: criteria provided, single submitter. Criteria: Myriad Autosomal Dominant, Autosomal Recessive and X-Linked Classification Criteria (2023). Collection method: clinical testing. Allele origin: unknown.
Comment: This variant is considered benign. This variant is strongly associated with less severe personal and family histories of cancer, typical for individuals without pathogenic variants in this gene [PMID: 25085752]. This variant has been observed in trans with a known pathogenic variant in one or more individuals lacking clinical features consistent with gene-specific recessive disease.

GeneDx
Classification: Uncertain significance. Last evaluated: 2021-01-13. Review status: criteria provided, single submitter. Criteria: GeneDx Variant Classification (06012015). Collection method: clinical testing. Allele origin: germline. Affected: yes.
Comment: Not observed at a significant frequency in large population cohorts (Lek 2016) In silico analysis supports that this missense variant does not alter protein structure/function This variant is associated with the following publications: (PMID: 17200668, 26976419, 30761385)

Counsyl
Classification: Uncertain significance for Familial cancer of breast. Last evaluated: 2016-09-09. Review status: no assertion criteria provided. Collection method: clinical testing. Allele origin: unknown. Not counted in ClinVar's aggregate classification.

Department of Pathology and Laboratory Medicine, Sinai Health System
Classification: Uncertain significance for Malignant tumor of breast. Review status: no assertion criteria provided. Collection method: clinical testing. Allele origin: unknown. Affected: yes. Study: The Canadian Open Genetics Repository (COGR). Not counted in ClinVar's aggregate classification.
Comment: The PALB2 p.Thr317Ile variant was identified in 2 of 2822 proband chromosomes (frequency: 0.0007) from individuals or families with breast cancer and was not identified in 2168 control chromosomes from healthy individuals (Rahman 2007, Tung 2016). The variant was also identified in dbSNP (ID: rs45548638) as "With Uncertain significance allele", and in ClinVar (classified as benign by Color; as uncertain significance by Invitae, Ambry Genetics and three other submitters). The variant was not identified in LOVD 3.0. The variant was identified in control databases in 2 of 276984 chromosomes at a frequency of 0.000007 (Genome Aggregation Database Feb 27, 2017). The variant was observed in the European population in 2 of 126600 chromosomes (freq: 0.00002), while the variant was not observed in the African, Other, Latino, Ashkenazi Jewish, East Asian, Finnish, and South Asian populations. The p.Thr317 residue is not conserved in mammals and four out of five computational analyses (PolyPhen-2, SIFT, AlignGVGD, BLOSUM, MutationTaster) do not suggest a high likelihood of impact to the protein; however, this information is not predictive enough to rule out pathogenicity. The variant occurs outside of the splicing consensus sequence and in silico or computational prediction software programs (SpliceSiteFinder, MaxEntScan, NNSPLICE, GeneSplicer) do not predict a difference in splicing. In summary, based on the above information the clinical significance of this variant cannot be determined with certainty at this time. This variant is classified as a variant of uncertain significance.

Literature cited by the submitters: PubMed 17200668 (cited by 4 submitters); PubMed 26976419 (cited by 4 submitters); PubMed 32885271 (cited by Ambry Genetics and Quest Diagnostics Nichols Institute San Juan Capistrano); PubMed 33471991 (cited by Ambry Genetics and Quest Diagnostics Nichols Institute San Juan Capistrano); PubMed 25085752 (cited by Myriad Genetics, Inc.).

NM_024675.4(PALB2):c.950C>T (p.Thr317Ile)

Gene: PALB2 (partner and localizer of BRCA2; minus strand). Cytogenetic location: 16p12.2.
Variant type: single nucleotide variant.
Coding change: c.950C>T on transcript NM_024675.4 (MANE Select); coding-DNA position 950, C replaced by T.
Protein change: p.Thr317Ile; replaces threonine 317 with isoleucine.
Molecular consequence: missense variant.
Genome position (GRCh38, 1-based): chr16:23,635,596, G>A on the plus strand (C>T on the coding strand, the complement: PALB2 is on the minus strand). VCF-style: chr16-23635596-G-A. GRCh37 (hg19) VCF-style: chr16-23646917-G-A.
Other names: short protein forms T317I.
Identifiers: ClinVar variation 185396 (VCV000185396.28), dbSNP rs45548638, ClinGen allele CA191811.